The following is an entry in ClinVar:

NM_004186.5(SEMA3F):c.2244T>C (p.Gly748=)

Gene: SEMA3F (semaphorin 3F; plus strand). Cytogenetic location: 3p21.31.
Variant type: single nucleotide variant.
Coding change: c.2244T>C on transcript NM_004186.5 (MANE Select); coding-DNA position 2244, T replaced by C.
Protein change: p.Gly748=; no amino-acid change (glycine 748 retained).
Molecular consequence: synonymous variant.
Genome position (GRCh38, 1-based): chr3:50,188,001, T>C. VCF-style: chr3-50188001-T-C. GRCh37 (hg19) VCF-style: chr3-50225434-T-C.
Other names: c.1947T>C, p.Gly649= (NM_001318798.2); c.2151T>C, p.Gly717= (NM_001318800.2).
Identifiers: ClinVar variation 4988866 (VCV004988866.1).

ClinVar aggregate classification (germline): Likely benign (1 of 4 stars; one submission).

Conditions:
SEMA3F-related disorder. Also called: SEMA3F-related condition.

Submission:

PreventionGenetics, part of Exact Sciences
Classification: Likely benign for SEMA3F-related condition. Last evaluated: 2026-06-29. Review status: criteria provided, single submitter. Criteria: ACMG Guidelines, 2015. Collection method: clinical testing. Allele origin: germline.
Comment: This variant is classified as likely benign based on ACMG/AMP sequence variant interpretation guidelines (Richards et al. 2015 PMID: 25741868, with internal and published modifications).